The following is an entry in ClinVar:

NM_005359.6(SMAD4):c.69del (p.Met24fs)

Gene: SMAD4 (SMAD family member 4; plus strand). Cytogenetic location: 18q21.2.
Variant type: Deletion.
Coding change: c.69del on transcript NM_005359.6 (MANE Select); coding-DNA position 69, one base deleted (G; older notation c.69delG).
Protein change: p.Met24fs; shifts the reading frame from methionine 24.
Molecular consequence: frameshift variant.
Genome position (GRCh38, 1-based): chr18:51,047,115, G deleted. VCF-style (leftmost placement, unchanged base first): chr18-51047114-TG-T. GRCh37 (hg19) VCF-style: chr18-48573484-TG-T.
Other names: c.69delG (NM_005359.5); short protein forms M24fs.
Identifiers: ClinVar variation 646292 (VCV000646292.8), dbSNP rs1599181081, ClinGen allele CA915951523.

ClinVar aggregate classification (germline): Pathogenic (1 of 4 stars; one submission).

Conditions:
Juvenile polyposis syndrome (JPS). Identifiers: Orphanet 2929, MedGen C0345893, MONDO:0017380, OMIM 174900.

Submission:

Labcorp Genetics (formerly Invitae), Labcorp
Classification: Pathogenic for Juvenile polyposis syndrome. Last evaluated: 2018-11-12. Review status: criteria provided, single submitter. Criteria: Invitae Variant Classification Sherloc (09022015). Collection method: clinical testing. Allele origin: germline.
Comment: This sequence change creates a premature translational stop signal (p.Met24Cysfs*21) in the SMAD4 gene. It is expected to result in an absent or disrupted protein product. For these reasons, this variant has been classified as Pathogenic. Loss-of-function variants in SMAD4 are known to be pathogenic (PMID: 16152648, 16436638, 22810475). This variant has not been reported in the literature in individuals with SMAD4-related disease. This variant is not present in population databases (ExAC no frequency).

Literature cited by the submitters: PubMed 16152648; PubMed 16436638; PubMed 22810475.